The following is an entry in ClinVar:

ClinVar aggregate classification (germline): Pathogenic (1 of 4 stars; one submission).

Conditions:
Multiple endocrine neoplasia, type 1 (MEN1). Also called: MEN I; WERMER SYNDROME; Endocrine adenomatosis multiple; MEN 1; MEA I. Identifiers: Orphanet 652, MedGen C0025267, MeSH D018761, MONDO:0007540, OMIM 131100.

Submission:

Labcorp Genetics (formerly Invitae), Labcorp
Classification: Pathogenic for Multiple endocrine neoplasia, type 1. Last evaluated: 2022-09-19. Review status: criteria provided, single submitter. Criteria: Invitae Variant Classification Sherloc (09022015). Collection method: clinical testing. Allele origin: germline.
Comment: For these reasons, this variant has been classified as Pathogenic. This variant has not been reported in the literature in individuals affected with MEN1-related conditions. This variant is not present in population databases (gnomAD no frequency). This sequence change creates a premature translational stop signal (p.Ala87Valfs*31) in the MEN1 gene. It is expected to result in an absent or disrupted protein product. Loss-of-function variants in MEN1 are known to be pathogenic (PMID: 12112656, 17853334).

Literature cited by the submitters: PubMed 12112656; PubMed 17853334.

NM_001370259.2(MEN1):c.259_260insTCGC (p.Ala87fs)

Gene: MEN1 (menin 1; minus strand). Cytogenetic location: 11q13.1.
Variant type: Insertion.
Coding change: c.259_260insTCGC on transcript NM_001370259.2 (MANE Select); coding-DNA positions 259 to 260, TCGC inserted.
Protein change: p.Ala87fs; shifts the reading frame from alanine 87.
Molecular consequence: frameshift variant.
Genome position: GRCh38 VCF-style: chr11-64809850-G-GGCGA. GRCh37 (hg19) VCF-style: chr11-64577322-G-GGCGA.
Other names: c.259_260insTCGC, p.Ala87fs (NM_130803.3, NM_130804.3, NM_000244.4 and 9 more transcripts); c.259_260insTCGC, p.Ala87Valfs (NM_001407142.1, NM_001407143.1, NM_001407144.1 and 8 more transcripts); short protein forms A87fs.
Identifiers: ClinVar variation 2031169 (VCV002031169.4), dbSNP rs2497272005, ClinGen allele CA2580084423.
Genomic context (GRCh38, chr11:64,809,850, plus strand): 5'-GGATAGAGGGACAGGTCGACGGCGCCTCGGATCTGGGCGGTGAAGCGGGCATAGAGGGCG[G>GGCGA]CGATGATAGACAGGTCGGCCACGGGAAAGTAGGTGAGGCCGCCAGGCGGGTCGGGGGCGG-3'